The following is an entry in ClinVar:

ClinVar aggregate classification (germline): Uncertain significance (1 of 4 stars; one submission).

Allele frequency attached by ClinVar (database versions not stated): ExAC 0.00003; gnomAD 0.00003; gnomAD exomes 0.00003; TOPMed 0.00004.
gnomAD v4.1: 39 of 1,614,080 alleles (0.0024%); highest among the groups gnomAD compares: African/African-American, 0.0067%; no homozygotes.

Submission:

Labcorp Genetics (formerly Invitae), Labcorp
Classification: Uncertain significance. Last evaluated: 2025-10-13. Review status: criteria provided, single submitter. Criteria: Invitae Variant Classification Sherloc (09022015). Collection method: clinical testing. Allele origin: germline.
Comment: This sequence change replaces arginine, which is basic and polar, with histidine, which is basic and polar, at codon 70 of the ARHGEF1 protein (p.Arg70His). This variant is present in population databases (rs782343511, gnomAD 0.005%). This variant has not been reported in the literature in individuals affected with ARHGEF1-related conditions. ClinVar contains an entry for this variant (Variation ID: 1482989). An algorithm developed to predict the effect of missense changes on protein structure and function (PolyPhen-2) suggests that this variant is likely to be tolerated. In summary, the available evidence is currently insufficient to determine the role of this variant in disease. Therefore, it has been classified as a Variant of Uncertain Significance.

NM_004706.4(ARHGEF1):c.164G>A (p.Arg55His)

Gene: ARHGEF1 (Rho guanine nucleotide exchange factor 1; plus strand). Cytogenetic location: 19q13.2.
Variant type: single nucleotide variant.
Coding change: c.164G>A on transcript NM_004706.4 (MANE Select); coding-DNA position 164, G replaced by A.
Protein change: p.Arg55His; replaces arginine 55 with histidine.
Molecular consequence: missense variant.
Genome position (GRCh38, 1-based): chr19:41,888,804, G>A. VCF-style: chr19-41888804-G-A. GRCh37 (hg19) VCF-style: chr19-42392875-G-A.
Other names: c.164G>A, p.Arg55His (NM_198977.2); c.209G>A, p.Arg70His (NM_199002.2); short protein forms R55H, R70H.
Identifiers: ClinVar variation 1482989 (VCV001482989.8), dbSNP rs782343511, ClinGen allele CA9465809.
Genomic context (GRCh38, chr19:41,888,804, plus strand): 5'-ACCCCCAGAACTCAGAAGAGCAAAACAGCCAGTTCCAGAGCCTGGAGCAGGTGAAGCGGC[G>A]CCCAGCCCACCTCATGGCCCTCCTGCAGCACGTGGCCCTGCAGTTTGAGCCAGGACCCCT-3'
Protein context (NP_004697.2, residues 45-65): QFQSLEQVKR[Arg55His]PAHLMALLQH